The following is an entry in ClinVar:

NM_018486.3(HDAC8):c.419G>T (p.Gly140Val)

Gene: HDAC8 (histone deacetylase 8; minus strand). Cytogenetic location: Xq13.1.
Variant type: single nucleotide variant.
Coding change: c.419G>T on transcript NM_018486.3 (MANE Select); coding-DNA position 419, G replaced by T.
Protein change: p.Gly140Val; replaces glycine 140 with valine.
Molecular consequence: missense variant. On other transcripts: intron variant (2).
Genome position (GRCh38, 1-based): chrX:72,567,907, C>A on the plus strand (G>T on the coding strand, the complement: HDAC8 is on the minus strand). VCF-style: chrX-72567907-C-A. GRCh37 (hg19) VCF-style: chrX-71787757-C-A.
Other names: c.419G>T, p.Gly140Val (NM_001166419.2, NM_001166420.2, NM_001166422.2); c.164+4150G>T (NM_001166418.2, NM_001166448.2); short protein forms G140V.
Identifiers: ClinVar variation 372884 (VCV000372884.1), dbSNP rs1057518047, ClinGen allele CA16043287.

ClinVar aggregate classification (germline): Likely pathogenic (1 of 4 stars; one submission).

Submission:

GeneDx
Classification: Likely pathogenic. Last evaluated: 2016-01-15. Review status: criteria provided, single submitter. Criteria: GeneDx Variant Classification (06012015). Collection method: clinical testing. Allele origin: germline. Affected: yes.
Comment: The G140V variant in the HDAC8 gene has not been reported previously as a pathogenic variant, nor as a benign variant, to our knowledge. The G140V variant was not observed in approximately 6500 individuals of European and African American ancestry in the NHLBI Exome Sequencing Project, indicating it is not a common benign variant in these populations. The G140V variant is a conservative amino acid substitution, which is not likely to impact secondary protein structure as these residues share similar properties. However, this substitution occurs at a position that is conserved across species, and in silico analysis predicts this variant is probably damaging to the protein structure/function. The G140V variant is a strong candidate for a pathogenic variant, however the possibility it may be a rare benign variant cannot be excluded.